The following is an entry in ClinVar:

ClinVar aggregate classification (germline): Uncertain significance (1 of 4 stars; one submission).

Allele frequency attached by ClinVar (database versions not stated): TOPMed 0.00001.

Submission:

Labcorp Genetics (formerly Invitae), Labcorp
Classification: Uncertain significance. Last evaluated: 2020-03-24. Review status: criteria provided, single submitter. Criteria: Invitae Variant Classification Sherloc (09022015). Collection method: clinical testing. Allele origin: germline.
Comment: In summary, the available evidence is currently insufficient to determine the role of this variant in disease. Therefore, it has been classified as a Variant of Uncertain Significance. Algorithms developed to predict the effect of missense changes on protein structure and function are either unavailable or do not agree on the potential impact of this missense change (SIFT: "Deleterious"; PolyPhen-2: "Benign"; Align-GVGD: "Class C55"). This variant has not been reported in the literature in individuals with LRP5-related conditions. This variant is not present in population databases (ExAC no frequency). This sequence change replaces phenylalanine with serine at codon 990 of the LRP5 protein (p.Phe990Ser). The phenylalanine residue is highly conserved and there is a large physicochemical difference between phenylalanine and serine.

NM_002335.4(LRP5):c.2969T>C (p.Phe990Ser)

Gene: LRP5 (LDL receptor related protein 5; plus strand). Cytogenetic location: 11q13.2.
Variant type: single nucleotide variant.
Coding change: c.2969T>C on transcript NM_002335.4 (MANE Select); coding-DNA position 2969, T replaced by C.
Protein change: p.Phe990Ser; replaces phenylalanine 990 with serine.
Molecular consequence: missense variant.
Genome position (GRCh38, 1-based): chr11:68,416,469, T>C. VCF-style: chr11-68416469-T-C. GRCh37 (hg19) VCF-style: chr11-68183937-T-C.
Other names: c.1226T>C, p.Phe409Ser (NM_001291902.2); short protein forms F409S, F990S.
Identifiers: ClinVar variation 1015805 (VCV001015805.8), dbSNP rs1276363857, ClinGen allele CA381619930.